The following is an entry in ClinVar:

NM_025219.3(DNAJC5):c.482C>G (p.Ser161Cys)

Gene: DNAJC5 (DnaJ heat shock protein family (Hsp40) member C5; plus strand). Cytogenetic location: 20q13.33.
Variant type: single nucleotide variant.
Coding change: c.482C>G on transcript NM_025219.3 (MANE Select); coding-DNA position 482, C replaced by G.
Protein change: p.Ser161Cys; replaces serine 161 with cysteine.
Molecular consequence: missense variant.
Genome position (GRCh38, 1-based): chr20:63,931,011, C>G. VCF-style: chr20-63931011-C-G. GRCh37 (hg19) VCF-style: chr20-62562364-C-G.
Other names: short protein forms S161C.
Identifiers: ClinVar variation 2440942 (VCV002440942.4), dbSNP rs761471108, ClinGen allele CA9969752.

ClinVar aggregate classification (germline): Uncertain significance. Review status: criteria provided, multiple submitters, no conflicts (2 of 4 stars). 2 submissions from 2 submitters: Uncertain significance (2). Last evaluated 2024-05-10.

Conditions:
Ceroid lipofuscinosis, neuronal, 4 (Kufs type) (CLN4). Also called: Neuronal ceroid lipofuscinosis 4B; Ceroid lipofuscinosis, neuronal, 4, Parry type. Identifiers: Orphanet 228343, Orphanet 79262, MedGen C1834207, MONDO:0008083, OMIM 162350.

Allele frequency attached by ClinVar (database versions not stated): gnomAD exomes below 0.00001; ExAC 0.00001.
gnomAD v4.1: 2 of 1,613,994 alleles (0.00012%); highest among the groups gnomAD compares: Admixed American, 0.0017%; no homozygotes.

Submissions (2):

Women's Health and Genetics/Laboratory Corporation of America, LabCorp
Classification: Uncertain significance. Last evaluated: 2024-05-10. Review status: criteria provided, single submitter. Criteria: LabCorp Variant Classification Summary - May 2015. Collection method: clinical testing. Allele origin: germline.
Comment: Variant summary: DNAJC5 c.482C>G (p.Ser161Cys) results in a non-conservative amino acid change in the encoded protein sequence. Four of five in-silico tools predict a damaging effect of the variant on protein function. The variant allele was found at a frequency of 8e-06 in 250250 control chromosomes. The available data on variant occurrences in the general population are insufficient to allow any conclusion about variant significance. To our knowledge, no occurrence of c.482C>G in individuals affected with Ceroid Lipofuscinosis, Neuronal, 4 and no experimental evidence demonstrating its impact on protein function have been reported. ClinVar contains an entry for this variant (Variation ID: 2440942). Based on the evidence outlined above, the variant was classified as uncertain significance.

Revvity Omics, Revvity
Classification: Uncertain significance for Ceroid lipofuscinosis, neuronal, 4 (Kufs type). Last evaluated: 2019-05-15. Review status: criteria provided, single submitter. Criteria: ACMG Guidelines, 2015. Collection method: clinical testing. Allele origin: germline.